The following is an entry in ClinVar:

ClinVar aggregate classification (germline): Conflicting classifications of pathogenicity. Review status: criteria provided, conflicting classifications (1 of 4 stars). 3 submissions from 3 submitters: Uncertain significance (1); Likely benign (2). Last evaluated 2025-03-20.

Conditions:
Inborn genetic diseases. Identifiers: MedGen C0950123, MeSH D030342.

Allele frequency attached by ClinVar (database versions not stated): gnomAD exomes 0.00001 and 0.00002; ExAC 0.00002; gnomAD 0.00003; TOPMed 0.00005.
gnomAD v4.1: 23 of 1,613,980 alleles (0.0014%); highest among the groups gnomAD compares: Non-Finnish European, 0.000085%; no homozygotes.

Submissions (3):

Labcorp Genetics (formerly Invitae), Labcorp
Classification: Uncertain significance. Last evaluated: 2025-03-20. Review status: criteria provided, single submitter. Criteria: Invitae Variant Classification Sherloc (09022015). Collection method: clinical testing. Allele origin: germline.
Comment: This sequence change replaces glutamine, which is neutral and polar, with glutamic acid, which is acidic and polar, at codon 57 of the FOXP1 protein (p.Gln57Glu). This variant is present in population databases (rs752141860, gnomAD 0.04%). This variant has not been reported in the literature in individuals affected with FOXP1-related conditions. ClinVar contains an entry for this variant (Variation ID: 281531). Invitae Evidence Modeling of protein sequence and biophysical properties (such as structural, functional, and spatial information, amino acid conservation, physicochemical variation, residue mobility, and thermodynamic stability) indicates that this missense variant is not expected to disrupt FOXP1 protein function with a negative predictive value of 80%. In summary, the available evidence is currently insufficient to determine the role of this variant in disease. Therefore, it has been classified as a Variant of Uncertain Significance.

Ambry Genetics
Classification: Likely benign for Inborn genetic diseases. Last evaluated: 2023-02-22. Review status: criteria provided, single submitter. Criteria: Ambry Variant Classification Scheme 2023. Collection method: clinical testing. Allele origin: germline.

Eurofins Ntd Llc (ga)
Classification: Likely benign. Last evaluated: 2015-09-22. Review status: criteria provided, single submitter. Criteria: EGL Classification Definitions 2015. Collection method: clinical testing. Allele origin: germline. Observed: 2 variant alleles, 2 heterozygotes.

NM_001349338.3(FOXP1):c.169C>G (p.Gln57Glu)

Gene: FOXP1 (forkhead box P1; minus strand). Cytogenetic location: 3p13.
Variant type: single nucleotide variant.
Coding change: c.169C>G on transcript NM_001349338.3 (MANE Select); coding-DNA position 169, C replaced by G.
Protein change: p.Gln57Glu; replaces glutamine 57 with glutamic acid.
Molecular consequence: missense variant. On other transcripts: non-coding transcript variant (2).
Genome position (GRCh38, 1-based): chr3:71,198,213, G>C on the plus strand (C>G on the coding strand, the complement: FOXP1 is on the minus strand). VCF-style: chr3-71198213-G-C. GRCh37 (hg19) VCF-style: chr3-71247364-G-C.
Other names: c.169C>G, p.Gln57Glu (NM_001012505.2, NM_001244808.3, NM_001244810.2 and 6 more transcripts); c.169C>G (NM_032682.5); short protein forms Q57E.
Identifiers: ClinVar variation 281531 (VCV000281531.8), dbSNP rs752141860, ClinGen allele CA2491440.